The following is an entry in ClinVar:

ClinVar aggregate classification (germline): Likely benign (0 of 4 stars; one submission).

Conditions:
PLXNA3-related disorder. Also called: PLXNA3-related condition.

Allele frequency attached by ClinVar (database versions not stated): ExAC 0.00003; TOPMed 0.00004; gnomAD 0.00005.

Submission:

PreventionGenetics, part of Exact Sciences
Classification: Likely benign for PLXNA3-related condition. Last evaluated: 2022-10-05. Review status: no assertion criteria provided. Collection method: clinical testing. Allele origin: germline.
Comment: This variant is classified as likely benign based on ACMG/AMP sequence variant interpretation guidelines (Richards et al. 2015 PMID: 25741868, with internal and published modifications).

NM_017514.5(PLXNA3):c.4185C>T (p.Leu1395=)

Gene: PLXNA3 (plexin A3; plus strand). Cytogenetic location: Xq28.
Variant type: single nucleotide variant.
Coding change: c.4185C>T on transcript NM_017514.5 (MANE Select); coding-DNA position 4185, C replaced by T.
Protein change: p.Leu1395=; no amino-acid change (leucine 1395 retained).
Molecular consequence: synonymous variant.
Genome position (GRCh38, 1-based): chrX:154,468,524, C>T. VCF-style: chrX-154468524-C-T. GRCh37 (hg19) VCF-style: chrX-153696867-C-T.
Identifiers: ClinVar variation 3032931 (VCV003032931.2), dbSNP rs782506477, ClinGen allele CA10564816.